The following is an entry in ClinVar:

ClinVar aggregate classification (germline): Uncertain significance (1 of 4 stars; one submission).

Conditions:
Cardiovascular phenotype. Identifiers: MedGen CN230736.

Submission:

Ambry Genetics
Classification: Uncertain significance for Cardiovascular phenotype. Last evaluated: 2025-08-19. Review status: criteria provided, single submitter. Criteria: Ambry Variant Classification Scheme 2023. Collection method: clinical testing. Allele origin: germline.
Comment: The p.E593V variant (also known as c.1778A>T), located in coding exon 4 of the JPH2 gene, results from an A to T substitution at nucleotide position 1778. The glutamic acid at codon 593 is replaced by valine, an amino acid with dissimilar properties. This amino acid position is conserved. In addition, this alteration is predicted to be tolerated by in silico analysis. Based on the available evidence, the clinical significance of this variant remains unclear.

NM_020433.5(JPH2):c.1778A>T (p.Glu593Val)

Gene: JPH2 (junctophilin 2; minus strand). Cytogenetic location: 20q13.12.
Variant type: single nucleotide variant.
Coding change: c.1778A>T on transcript NM_020433.5 (MANE Select); coding-DNA position 1778, A replaced by T.
Protein change: p.Glu593Val; replaces glutamic acid 593 with valine.
Molecular consequence: missense variant.
Genome position (GRCh38, 1-based): chr20:44,115,897, T>A on the plus strand (A>T on the coding strand, the complement: JPH2 is on the minus strand). VCF-style: chr20-44115897-T-A. GRCh37 (hg19) VCF-style: chr20-42744537-T-A.
Other names: short protein forms E593V.
Identifiers: ClinVar variation 4089453 (VCV004089453.1).